The following is an entry in ClinVar:

NM_003361.4(UMOD):c.974-15C>G

Gene: UMOD (uromodulin; minus strand). Cytogenetic location: 16p12.3.
Variant type: single nucleotide variant.
Coding change: c.974-15C>G on transcript NM_003361.4 (MANE Select); 15 bases into the intron before coding-DNA position 974, C replaced by G.
Molecular consequence: intron variant.
Genome position (GRCh38, 1-based): chr16:20,346,349, G>C on the plus strand (C>G on the coding strand, the complement: UMOD is on the minus strand). VCF-style: chr16-20346349-G-C. GRCh37 (hg19) VCF-style: chr16-20357671-G-C.
Other names: c.974-15C>G (NM_001008389.3, NM_001378234.1, NM_001378235.1 and 3 more transcripts); c.1073-15C>G (NM_001278614.2).
Identifiers: ClinVar variation 318294 (VCV000318294.13), dbSNP rs201798915, ClinGen allele CA7939328.

ClinVar aggregate classification (germline): Benign. Review status: criteria provided, multiple submitters, no conflicts (2 of 4 stars). 2 submissions from 2 submitters: Benign (2). Last evaluated 2022-06-21.

Conditions:
Familial juvenile hyperuricemic nephropathy type 1 (ADTKD1). Also called: Glomerulocystic kidney disease with hyperuricemia and isosthenuria; Medullary cystic kidney disease 2; Autosomal Dominant Tubulointerstitial Kidney Disease – UMOD; UMOD-Associated Kidney Disease; Uromodulin-associated kidney disease. Identifiers: Orphanet 209886, Orphanet 34149, Orphanet 88950, MedGen C4551496, MONDO:0008073, OMIM 162000.

Allele frequency attached by ClinVar (database versions not stated): gnomAD 0.00006 and 0.00007; gnomAD exomes 0.00007 and 0.00023; TOPMed 0.00012; ExAC 0.00019; 1000 Genomes Project 30x 0.00031; 1000 Genomes Project 0.00040.
gnomAD v4.1: 113 of 1,614,124 alleles (0.007%); highest among the groups gnomAD compares: East Asian, 0.19%; no homozygotes.

Submissions (2):

Labcorp Genetics (formerly Invitae), Labcorp
Classification: Benign. Last evaluated: 2022-06-21. Review status: criteria provided, single submitter. Criteria: Invitae Variant Classification Sherloc (09022015). Collection method: clinical testing. Allele origin: germline.

Illumina Laboratory Services, Illumina
Classification: Benign for UMOD-Associated Kidney Disease. Last evaluated: 2018-01-12. Review status: criteria provided, single submitter. Criteria: ICSL Variant Classification Criteria 13 December 2019. Collection method: clinical testing. Allele origin: germline.
Comment: This variant was observed in the ICSL laboratory as part of a predisposition screen in an ostensibly healthy population. It had not been previously curated by ICSL or reported in the Human Gene Mutation Database (HGMD: prior to June 1st, 2018), and was therefore a candidate for classification through an automated scoring system. Utilizing variant allele frequency, disease prevalence and penetrance estimates, and inheritance mode, an automated score was calculated to assess if this variant is too frequent to cause the disease. Based on the score and internal cut-off values, a variant classified as benign is not then subjected to further curation. The score for this variant resulted in a classification of benign for this disease.